The following is an entry in ClinVar:

NM_002109.6(HARS1):c.613G>C (p.Gly205Arg)

Gene: HARS1 (histidyl-tRNA synthetase 1; minus strand). Cytogenetic location: 5q31.3.
Variant type: single nucleotide variant.
Coding change: c.613G>C on transcript NM_002109.6 (MANE Select); coding-DNA position 613, G replaced by C.
Protein change: p.Gly205Arg; replaces glycine 205 with arginine.
Molecular consequence: missense variant.
Genome position (GRCh38, 1-based): chr5:140,677,925, C>G on the plus strand (G>C on the coding strand, the complement: HARS1 is on the minus strand). VCF-style: chr5-140677925-C-G. GRCh37 (hg19) VCF-style: chr5-140057510-C-G.
Other names: c.493G>C, p.Gly165Arg (NM_001258040.3); c.553G>C, p.Gly185Arg (NM_001258041.3); c.433G>C, p.Gly145Arg (NM_001258042.3); c.391G>C, p.Gly131Arg (NM_001289092.2); c.271G>C, p.Gly91Arg (NM_001289093.2); c.526G>C, p.Gly176Arg (NM_001289094.2); short protein forms G176R, G205R, G145R, G165R, G185R, G131R, G91R.
Identifiers: ClinVar variation 4781390 (VCV004781390.1).

ClinVar aggregate classification (germline): Uncertain significance (1 of 4 stars; one submission).

Conditions:
Usher syndrome type 3B. Also called: USHER SYNDROME, TYPE IIIB. Identifiers: MedGen C3281066, MONDO:0013788, OMIM 614504.

gnomAD v4.1: 1 of 1,608,500 alleles (0.000062%); highest among the groups gnomAD compares: Admixed American, 0.0017%; no homozygotes.

Submission:

Labcorp Genetics (formerly Invitae), Labcorp
Classification: Uncertain significance for Usher syndrome type 3B. Last evaluated: 2025-12-10. Review status: criteria provided, single submitter. Criteria: Invitae Variant Classification Sherloc (09022015). Collection method: clinical testing. Allele origin: germline.
Comment: This sequence change replaces glycine, which is neutral and non-polar, with arginine, which is basic and polar, at codon 205 of the HARS protein (p.Gly205Arg). This variant is present in population databases (no rsID available, gnomAD 0.003%). This variant has not been reported in the literature in individuals affected with HARS-related conditions. Invitae Evidence Modeling of protein sequence and biophysical properties (such as structural, functional, and spatial information, amino acid conservation, physicochemical variation, residue mobility, and thermodynamic stability) indicates that this missense variant is not expected to disrupt HARS protein function with a negative predictive value of 80%. In summary, the available evidence is currently insufficient to determine the role of this variant in disease. Therefore, it has been classified as a Variant of Uncertain Significance.